The following is an entry in ClinVar:

ClinVar aggregate classification (germline): Uncertain significance (1 of 4 stars; one submission).

Conditions:
KIF22-related disorder. Also called: KIF22-related condition.

Submission:

PreventionGenetics, part of Exact Sciences
Classification: Uncertain significance for KIF22-related condition. Last evaluated: 2023-09-13. Review status: criteria provided, single submitter. Criteria: ACMG Guidelines, 2015. Collection method: clinical testing. Allele origin: germline.
Comment: The KIF22 c.257_258delTC variant is predicted to result in a frameshift and premature protein termination (p.Leu86Glnfs*5). To our knowledge, this variant has not been reported in the literature or in a large population database, indicating this variant is rare. Of note, loss of function variants have not commonly been reported for the KIF22 gene. At this time, the clinical significance of this variant is uncertain due to the absence of conclusive functional and genetic evidence.

NM_007317.3(KIF22):c.257_258del (p.Leu86fs)

Gene: KIF22 (kinesin family member 22; plus strand). Cytogenetic location: 16p11.2.
Variant type: Microsatellite.
Coding change: c.257_258del on transcript NM_007317.3 (MANE Select); coding-DNA positions 257 to 258, 2 bases deleted (TC; older notation c.257_258delTC).
Protein change: p.Leu86fs; shifts the reading frame from leucine 86.
Molecular consequence: frameshift variant.
Genome position (GRCh38, 1-based): chr16:29,797,079-29,797,080, TC deleted; deleting any 2 consecutive bases within chr16:29,797,076-29,797,080 gives the same sequence; the c. name uses the placement nearest the transcript's 3' end. VCF-style (leftmost placement, unchanged base first): chr16-29797075-ACT-A. GRCh37 (hg19) VCF-style: chr16-29808396-ACT-A.
Other names: c.53_54del, p.Leu18fs (NM_001256269.2, NM_001256270.1); short protein forms L18fs, L86fs.
Identifiers: ClinVar variation 2630785 (VCV002630785.1), dbSNP rs1898972362, ClinGen allele CA2216282139.